The following is an entry in ClinVar:

NM_004100.5(EYA4):c.208+6T>C

Gene: EYA4 (EYA transcriptional coactivator and phosphatase 4; plus strand). Cytogenetic location: 6q23.2.
Variant type: single nucleotide variant.
Coding change: c.208+6T>C on transcript NM_004100.5 (MANE Select); 6 bases into the intron after coding-DNA position 208, T replaced by C.
Molecular consequence: intron variant.
Genome position (GRCh38, 1-based): chr6:133,446,760, T>C. VCF-style: chr6-133446760-T-C. GRCh37 (hg19) VCF-style: chr6-133767898-T-C.
Other names: c.208+6T>C (NM_001301013.2, NM_172105.4, NM_001370458.1 and 3 more transcripts).
Identifiers: ClinVar variation 3654588 (VCV003654588.2).

ClinVar aggregate classification (germline): Uncertain significance (1 of 4 stars; one submission).

Conditions:
Dilated cardiomyopathy 1J (CMD1J). Also called: CARDIOMYOPATHY, DILATED, WITH SENSORINEURAL HEARING LOSS, AUTOSOMAL DOMINANT. Identifiers: Orphanet 217622, MedGen C1854368, MONDO:0011541, OMIM 605362.

gnomAD v4.1: 1 of 1,613,702 alleles (0.000062%); highest among the groups gnomAD compares: Non-Finnish European, 0.000085%; no homozygotes.

Submission:

Labcorp Genetics (formerly Invitae), Labcorp
Classification: Uncertain significance for Dilated cardiomyopathy 1J. Last evaluated: 2024-05-26. Review status: criteria provided, single submitter. Criteria: Invitae Variant Classification Sherloc (09022015). Collection method: clinical testing. Allele origin: germline.
Comment: This sequence change falls in intron 4 of the EYA4 gene. It does not directly change the encoded amino acid sequence of the EYA4 protein. It affects a nucleotide within the consensus splice site. This variant is not present in population databases (gnomAD no frequency). This variant has not been reported in the literature in individuals affected with EYA4-related conditions. Variants that disrupt the consensus splice site are a relatively common cause of aberrant splicing (PMID: 17576681, 9536098). Algorithms developed to predict the effect of sequence changes on RNA splicing suggest that this variant is not likely to affect RNA splicing. In summary, the available evidence is currently insufficient to determine the role of this variant in disease. Therefore, it has been classified as a Variant of Uncertain Significance.

Literature cited by the submitters: PubMed 17576681; PubMed 9536098.